The following is an entry in ClinVar:

ClinVar aggregate classification (germline): Uncertain significance (1 of 4 stars; one submission).

Conditions:
Inborn genetic diseases. Identifiers: MedGen C0950123, MeSH D030342.

Submission:

Ambry Genetics
Classification: Uncertain significance for Inborn genetic diseases. Last evaluated: 2023-08-11. Review status: criteria provided, single submitter. Criteria: Ambry Variant Classification Scheme 2023. Collection method: clinical testing. Allele origin: germline.
Comment: The p.A2281S variant (also known as c.6841G>T), located in coding exon 40 of the ATR gene, results from a G to T substitution at nucleotide position 6841. The alanine at codon 2281 is replaced by serine, an amino acid with similar properties. This amino acid position is conserved. In addition, this alteration is predicted to be tolerated by in silico analysis. Since supporting evidence is limited at this time, the clinical significance of this alteration remains unclear.

NM_001184.4(ATR):c.6841G>T (p.Ala2281Ser)

Gene: ATR (ATR checkpoint kinase; minus strand). Cytogenetic location: 3q23.
Variant type: single nucleotide variant.
Coding change: c.6841G>T on transcript NM_001184.4 (MANE Select); coding-DNA position 6841, G replaced by T.
Protein change: p.Ala2281Ser; replaces alanine 2281 with serine.
Molecular consequence: missense variant.
Genome position (GRCh38, 1-based): chr3:142,466,380, C>A on the plus strand (G>T on the coding strand, the complement: ATR is on the minus strand). VCF-style: chr3-142466380-C-A. GRCh37 (hg19) VCF-style: chr3-142185222-C-A.
Other names: c.6649G>T, p.Ala2217Ser (NM_001354579.2); short protein forms A2281S, A2217S.
Identifiers: ClinVar variation 2587584 (VCV002587584.2), dbSNP rs2108273493, ClinGen allele CA354801452.